The following is an entry in ClinVar:

NM_022455.5(NSD1):c.5390_5509+564del

Genes: NSD1 (nuclear receptor binding SET domain protein 1; plus strand), LOC126807619 (MED14-independent group 3 enhancer GRCh37_chr5:176696443-176697642; plus strand). Cytogenetic location: 5q35.3.
Variant type: Deletion.
Coding change: c.5390_5509+564del on transcript NM_022455.5 (MANE Select); coding-DNA position 5390 through 564 bases into the intron after coding-DNA position 5509, 684 bases deleted.
Molecular consequence: splice donor variant.
Genome position (GRCh38, 1-based): chr5:177,269,688-177,270,371, 684 bases deleted. GRCh37 (hg19): chr5:176,696,689-176,697,372.
Other names: c.5390_5509+564del (NM_001409301.1, NM_001409302.1, NM_001409303.1); c.4970_5089+564del (NM_001409304.1); c.4637_4756+564del (NM_001409305.1); c.4628_4747+564del (NM_001409306.1, NM_001409307.1); c.4517_4636+564del (NM_001409308.1, NM_172349.5, NM_001409309.1 and 1 more transcripts).
Identifiers: ClinVar variation 3693453 (VCV003693453.2).

ClinVar aggregate classification (germline): Pathogenic (1 of 4 stars; one submission).

Submission:

Labcorp Genetics (formerly Invitae), Labcorp
Classification: Pathogenic. Last evaluated: 2023-03-03. Review status: criteria provided, single submitter. Criteria: Invitae Variant Classification Sherloc (09022015). Collection method: clinical testing. Allele origin: germline.
Comment: For these reasons, this variant has been classified as Pathogenic. This variant disrupts a region of the NSD1 protein in which other variant(s) (p.Gly1800Arg) have been determined to be pathogenic (Invitae). This suggests that this is a clinically significant region of the protein, and that variants that disrupt it are likely to be disease-causing. This variant results in the deletion of part of exon 16 (c.5390_5509+564del) of the NSD1 gene. It is expected to disrupt RNA splicing. Variants that disrupt the donor or acceptor splice site typically lead to a loss of protein function (PMID: 16199547), and loss-of-function variants in NSD1 are known to be pathogenic (PMID: 12464997, 14571271, 15942875, 16247291). This variant is not present in population databases (gnomAD no frequency). This variant has not been reported in the literature in individuals affected with NSD1-related conditions.

Literature cited by the submitters: PubMed 16199547; PubMed 12464997; PubMed 14571271; PubMed 15942875; PubMed 16247291.